The following is an entry in ClinVar:

ClinVar aggregate classification (germline): Uncertain significance (1 of 4 stars; one submission).

Conditions:
Inborn genetic diseases. Identifiers: MedGen C0950123, MeSH D030342.

Submission:

Ambry Genetics
Classification: Uncertain significance for Inborn genetic diseases. Last evaluated: 2026-08-16. Review status: criteria provided, single submitter. Criteria: Ambry Variant Classification Scheme 2023. Collection method: clinical testing. Allele origin: germline.
Comment: The p.I1528N variant (also known as c.4583T>A), located in coding exon 13 of the ASXL1 gene, results from a T to A substitution at nucleotide position 4583. The isoleucine at codon 1528 is replaced by asparagine, an amino acid with dissimilar properties. This amino acid position is conserved. In addition, the in silico prediction for this alteration is inconclusive. Based on the available evidence, the clinical significance of this variant remains unclear.

NM_015338.6(ASXL1):c.4583T>A (p.Ile1528Asn)

Gene: ASXL1 (ASXL transcriptional regulator 1; plus strand). Cytogenetic location: 20q11.21.
Variant type: single nucleotide variant.
Coding change: c.4583T>A on transcript NM_015338.6 (MANE Select); coding-DNA position 4583, T replaced by A.
Protein change: p.Ile1528Asn; replaces isoleucine 1528 with asparagine.
Molecular consequence: missense variant.
Genome position (GRCh38, 1-based): chr20:32,437,295, T>A. VCF-style: chr20-32437295-T-A. GRCh37 (hg19) VCF-style: chr20-31025098-T-A.
Other names: c.4400T>A, p.Ile1467Asn (NM_001363734.1); short protein forms I1467N, I1528N.
Identifiers: ClinVar variation 5030307 (VCV005030307.1).
Genomic context (GRCh38, chr20:32,437,295, plus strand): 5'-GCAGCCTGAAAGCCATGATCATGTGCCAAGGCTGCGGTGCGTTCTGTCACGATGACTGTA[T>A]TGGACCCTCAAAGCTCTGTGTATTGTGCCTTGTGGTGAGATAATAAATTATGGCCATGGG-3'
Protein context (NP_056153.2, residues 1518-1538): GCGAFCHDDC[Ile1528Asn]GPSKLCVLCL